The following is an entry in ClinVar:

NM_000183.3(HADHB):c.1007A>G (p.Tyr336Cys)

Gene: HADHB (hydroxyacyl-CoA dehydrogenase trifunctional multienzyme complex subunit beta; plus strand). Cytogenetic location: 2p23.3.
Variant type: single nucleotide variant.
Coding change: c.1007A>G on transcript NM_000183.3 (MANE Select); coding-DNA position 1007, A replaced by G.
Protein change: p.Tyr336Cys; replaces tyrosine 336 with cysteine.
Molecular consequence: missense variant.
Genome position (GRCh38, 1-based): chr2:26,282,918, A>G. VCF-style: chr2-26282918-A-G. GRCh37 (hg19) VCF-style: chr2-26505786-A-G.
Other names: c.962A>G, p.Tyr321Cys (NM_001281512.2); c.941A>G, p.Tyr314Cys (NM_001281513.2); short protein forms Y314C, Y321C, Y336C.
Identifiers: ClinVar variation 4698568 (VCV004698568.1).

ClinVar aggregate classification (germline): Uncertain significance (1 of 4 stars; one submission).

Conditions:
Mitochondrial trifunctional protein deficiency. Identifiers: Orphanet 746, MedGen C1969443, MONDO:0012172.

Submission:

Labcorp Genetics (formerly Invitae), Labcorp
Classification: Uncertain significance for Mitochondrial trifunctional protein deficiency. Last evaluated: 2025-08-26. Review status: criteria provided, single submitter. Criteria: Invitae Variant Classification Sherloc (09022015). Collection method: clinical testing. Allele origin: germline.
Comment: This sequence change replaces tyrosine, which is neutral and polar, with cysteine, which is neutral and slightly polar, at codon 336 of the HADHB protein (p.Tyr336Cys). This variant is not present in population databases (gnomAD no frequency). This variant has not been reported in the literature in individuals affected with HADHB-related conditions. Invitae Evidence Modeling of protein sequence and biophysical properties (such as structural, functional, and spatial information, amino acid conservation, physicochemical variation, residue mobility, and thermodynamic stability) indicates that this missense variant is expected to disrupt HADHB protein function with a positive predictive value of 80%. In summary, the available evidence is currently insufficient to determine the role of this variant in disease. Therefore, it has been classified as a Variant of Uncertain Significance.